The following is an entry in ClinVar:

ClinVar aggregate classification (germline): Pathogenic. Review status: criteria provided, multiple submitters, no conflicts (2 of 4 stars). 4 submissions from 4 submitters: Pathogenic (4). Last evaluated 2025-05-16.

Conditions:
USH1G-related disorder. Also called: USH1G-related disorders; USH1G-related condition.
Usher syndrome type 1G. Also called: USHER SYNDROME, TYPE IG, MILD. Identifiers: Orphanet 231169, Orphanet 886, MedGen C1847089, MONDO:0011748, OMIM 606943.

Submissions (4):

Institute of Medical Genetics and Applied Genomics, University Hospital Tübingen
Classification: Pathogenic for Usher syndrome type 1G. Last evaluated: 2025-05-16. Review status: criteria provided, single submitter. Criteria: ACMG Guidelines, 2015. Collection method: clinical testing. Allele origin: germline. Inheritance: Autosomal recessive inheritance. Affected: yes.

Labcorp Genetics (formerly Invitae), Labcorp
Classification: Pathogenic. Last evaluated: 2024-03-01. Review status: criteria provided, single submitter. Criteria: Invitae Variant Classification Sherloc (09022015). Collection method: clinical testing. Allele origin: germline.
Comment: This sequence change creates a premature translational stop signal (p.Asp29Argfs*29) in the USH1G gene. It is expected to result in an absent or disrupted protein product. Loss-of-function variants in USH1G are known to be pathogenic (PMID: 12588794, 22219650). This variant is not present in population databases (gnomAD no frequency). This premature translational stop signal has been observed in individual(s) with Usher syndrome type 1 (PMID: 21569298, 32531858). For these reasons, this variant has been classified as Pathogenic.

CeGaT Center for Human Genetics Tuebingen
Classification: Pathogenic. Last evaluated: 2024-01-01. Review status: criteria provided, single submitter. Criteria: CeGaT Center For Human Genetics Tuebingen Variant Classification Criteria Version 2. Collection method: clinical testing. Allele origin: germline. Affected: yes. Observed: 1 variant allele.
Comment: USH1G: PVS1, PM2, PM3

Blueprint Genetics
Classification: Pathogenic for USH1G-related disorders. Last evaluated: 2023-12-29. Review status: criteria provided, single submitter. Criteria: ACMG Guidelines, 2015. Collection method: clinical testing. Allele origin: germline. Affected: yes. Observed: 1 variant allele.

Literature cited by the submitters: PubMed 12588794 (cited by Labcorp Genetics (formerly Invitae), Labcorp); PubMed 22219650 (cited by Labcorp Genetics (formerly Invitae), Labcorp); PubMed 21569298 (cited by Labcorp Genetics (formerly Invitae), Labcorp); PubMed 32531858 (cited by Labcorp Genetics (formerly Invitae), Labcorp).

NM_173477.5(USH1G):c.84dup (p.Asp29fs)

Gene: USH1G (USH1 protein network component sans; minus strand). Cytogenetic location: 17q25.1.
Variant type: Duplication.
Coding change: c.84dup on transcript NM_173477.5 (MANE Select); coding-DNA position 84, one base duplicated (C; older notation c.84dupC).
Protein change: p.Asp29fs; shifts the reading frame from aspartic acid 29.
Molecular consequence: frameshift variant. On other transcripts: 5 prime UTR variant (1).
Genome position (GRCh38, 1-based): chr17:74,922,990, G duplicated on the plus strand (C on the coding strand, the reverse complement: USH1G is on the minus strand); the first of 5 consecutive G bases (chr17:74,922,990-74,922,994); duplicating any one gives the same sequence. VCF-style (leftmost placement, unchanged base first): chr17-74922989-C-CG. GRCh37 (hg19) VCF-style: chr17-72919084-C-CG.
Other names: c.-173dup (NM_001282489.3); short protein forms D29fs.
Identifiers: ClinVar variation 2736644 (VCV002736644.27), dbSNP rs751695203, ClinGen allele CA8754135.